The following is an entry in ClinVar:

NM_000478.6(ALPL):c.305A>T (p.Asn102Ile)

Gene: ALPL (alkaline phosphatase, biomineralization associated; plus strand). Cytogenetic location: 1p36.12.
Variant type: single nucleotide variant.
Coding change: c.305A>T on transcript NM_000478.6 (MANE Select); coding-DNA position 305, A replaced by T.
Protein change: p.Asn102Ile; replaces asparagine 102 with isoleucine.
Molecular consequence: missense variant.
Genome position (GRCh38, 1-based): chr1:21,563,117, A>T. VCF-style: chr1-21563117-A-T. GRCh37 (hg19) VCF-style: chr1-21889610-A-T.
Other names: c.140A>T, p.Asn47Ile (NM_001127501.4); c.74A>T, p.Asn25Ile (NM_001177520.3); c.305A>T, p.Asn102Ile (NM_001369803.2, NM_001369804.2, NM_001369805.2); short protein forms N25I, N102I, N47I.
Identifiers: ClinVar variation 2793037 (VCV002793037.3), dbSNP rs1005250117, ClinGen allele CA338877063.

ClinVar aggregate classification (germline): Likely pathogenic (1 of 4 stars; one submission).

Submission:

Labcorp Genetics (formerly Invitae), Labcorp
Classification: Likely pathogenic. Last evaluated: 2023-12-01. Review status: criteria provided, single submitter. Criteria: Invitae Variant Classification Sherloc (09022015). Collection method: clinical testing. Allele origin: germline.
Comment: This sequence change replaces asparagine, which is neutral and polar, with isoleucine, which is neutral and non-polar, at codon 102 of the ALPL protein (p.Asn102Ile). This variant is not present in population databases (gnomAD no frequency). This missense change has been observed in individual(s) with hypophosphatasia (Invitae). Advanced modeling of protein sequence and biophysical properties (such as structural, functional, and spatial information, amino acid conservation, physicochemical variation, residue mobility, and thermodynamic stability) performed at Invitae indicates that this missense variant is expected to disrupt ALPL protein function with a positive predictive value of 95%. This variant disrupts the p.Asn102 amino acid residue in ALPL. Other variant(s) that disrupt this residue have been observed in individuals with ALPL-related conditions (PMID: 36361766; Invitae), which suggests that this may be a clinically significant amino acid residue. In summary, the currently available evidence indicates that the variant is pathogenic, but additional data are needed to prove that conclusively. Therefore, this variant has been classified as Likely Pathogenic.

Literature cited by the submitters: PubMed 36361766.